The following is an entry in ClinVar:

NM_001042492.3(NF1):c.4770_4777del (p.Leu1590fs)

Gene: NF1 (neurofibromin 1; plus strand). Cytogenetic location: 17q11.2.
Variant type: Deletion.
Coding change: c.4770_4777del on transcript NM_001042492.3 (MANE Select); coding-DNA positions 4770 to 4777, 8 bases deleted (AAGTATTT; older notation c.4770_4777delAAGTATTT).
Protein change: p.Leu1590fs; shifts the reading frame from leucine 1590.
Molecular consequence: frameshift variant.
Genome position (GRCh38, 1-based): chr17:31,265,274-31,265,281, AAGTATTT deleted; deleting any 8 consecutive bases within chr17:31,265,272-31,265,281 gives the same sequence; the c. name uses the placement nearest the transcript's 3' end. VCF-style (leftmost placement, unchanged base first): chr17-31265271-GTTAAGTAT-G. GRCh37 (hg19) VCF-style: chr17-29592289-GTTAAGTAT-G.
Other names: c.4707_4714delAAGTATTT, p.Leu1569Phefs (NM_000267.4); short protein forms L1590fs, L1569fs.
Identifiers: ClinVar variation 527574 (VCV000527574.5), dbSNP rs1555619402, ClinGen allele CA658798809.

ClinVar aggregate classification (germline): Pathogenic (1 of 4 stars; one submission).

Conditions:
Neurofibromatosis, type 1 (NF1). Also called: VON RECKLINGHAUSEN DISEASE; NEUROFIBROMATOSIS, TYPE I, SOMATIC; Peripheral type neurofibromatosis; Neurofibromatosis, type I. Identifiers: Orphanet 636, MedGen C0027831, MONDO:0018975, OMIM 162200. Disease mechanism: loss of function.

Submission:

Labcorp Genetics (formerly Invitae), Labcorp
Classification: Pathogenic for Neurofibromatosis, type 1. Last evaluated: 2025-01-19. Review status: criteria provided, single submitter. Criteria: Invitae Variant Classification Sherloc (09022015). Collection method: clinical testing. Allele origin: germline.
Comment: This sequence change creates a premature translational stop signal (p.Leu1569Phefs*29) in the NF1 gene. It is expected to result in an absent or disrupted protein product. Loss-of-function variants in NF1 are known to be pathogenic (PMID: 10712197, 23913538). This variant is not present in population databases (gnomAD no frequency). This premature translational stop signal has been observed in individual(s) with clinical features of neurofibromatosis, type 1 (PMID: 31717729). ClinVar contains an entry for this variant (Variation ID: 527574). For these reasons, this variant has been classified as Pathogenic.

Literature cited by the submitters: PubMed 10712197; PubMed 23913538; PubMed 31717729.